The following is an entry in ClinVar:

ClinVar aggregate classification (germline): Uncertain significance (1 of 4 stars; one submission).

Conditions:
Inborn genetic diseases. Identifiers: MedGen C0950123, MeSH D030342.

gnomAD v4.1: 2 of 1,614,228 alleles (0.00012%); highest among the groups gnomAD compares: Admixed American, 0.0033%; no homozygotes.

Submission:

Ambry Genetics
Classification: Uncertain significance for Inborn genetic diseases. Last evaluated: 2024-12-31. Review status: criteria provided, single submitter. Criteria: Ambry Variant Classification Scheme 2023. Collection method: clinical testing. Allele origin: germline.
Comment: The p.N1691D variant (also known as c.5071A>G), located in coding exon 20 of the FANCM gene, results from an A to G substitution at nucleotide position 5071. The asparagine at codon 1691 is replaced by aspartic acid, an amino acid with highly similar properties. This amino acid position is conserved. In addition, this alteration is predicted to be tolerated by in silico analysis. Based on the available evidence, the clinical significance of this variant remains unclear.

NM_020937.4(FANCM):c.5071A>G (p.Asn1691Asp)

Gene: FANCM (FA complementation group M; plus strand). Cytogenetic location: 14q21.2.
Variant type: single nucleotide variant.
Coding change: c.5071A>G on transcript NM_020937.4 (MANE Select); coding-DNA position 5071, A replaced by G.
Protein change: p.Asn1691Asp; replaces asparagine 1691 with aspartic acid.
Molecular consequence: missense variant.
Genome position (GRCh38, 1-based): chr14:45,189,093, A>G. VCF-style: chr14-45189093-A-G. GRCh37 (hg19) VCF-style: chr14-45658296-A-G.
Other names: c.4993A>G, p.Asn1665Asp (NM_001308133.2); short protein forms N1665D, N1691D.
Identifiers: ClinVar variation 3848563 (VCV003848563.1).